The following is an entry in ClinVar:

ClinVar aggregate classification (germline): Uncertain significance (1 of 4 stars; one submission).

Submission:

Labcorp Genetics (formerly Invitae), Labcorp
Classification: Uncertain significance. Last evaluated: 2023-11-01. Review status: criteria provided, single submitter. Criteria: Invitae Variant Classification Sherloc (09022015). Collection method: clinical testing. Allele origin: germline.
Comment: This sequence change replaces glutamic acid, which is acidic and polar, with glycine, which is neutral and non-polar, at codon 770 of the PDE10A protein (p.Glu770Gly). This variant is not present in population databases (gnomAD no frequency). This variant has not been reported in the literature in individuals affected with PDE10A-related conditions. ClinVar contains an entry for this variant (Variation ID: 2080278). Advanced modeling of protein sequence and biophysical properties (such as structural, functional, and spatial information, amino acid conservation, physicochemical variation, residue mobility, and thermodynamic stability) performed at Invitae indicates that this missense variant is not expected to disrupt PDE10A protein function with a negative predictive value of 80%. Algorithms developed to predict the effect of sequence changes on RNA splicing suggest that this variant may disrupt the consensus splice site. In summary, the available evidence is currently insufficient to determine the role of this variant in disease. Therefore, it has been classified as a Variant of Uncertain Significance.

NM_001385079.1(PDE10A):c.3107A>G (p.Glu1036Gly)

Gene: PDE10A (phosphodiesterase 10A; minus strand). Cytogenetic location: 6q27.
Variant type: single nucleotide variant.
Coding change: c.3107A>G on transcript NM_001385079.1 (MANE Select); coding-DNA position 3107, A replaced by G.
Protein change: p.Glu1036Gly; replaces glutamic acid 1036 with glycine.
Molecular consequence: missense variant.
Genome position (GRCh38, 1-based): chr6:165,333,086, T>C on the plus strand (A>G on the coding strand, the complement: PDE10A is on the minus strand). VCF-style: chr6-165333086-T-C. GRCh37 (hg19) VCF-style: chr6-165746575-T-C.
Other names: c.2309A>G, p.Glu770Gly (NM_001130690.3); c.2279A>G, p.Glu760Gly (NM_006661.4); short protein forms E770G, E1036G, E760G.
Identifiers: ClinVar variation 2080278 (VCV002080278.4), dbSNP rs2483612011, ClinGen allele CA366386893.